The following is an entry in ClinVar:

ClinVar aggregate classification (germline): Uncertain significance. Review status: criteria provided, multiple submitters, no conflicts (2 of 4 stars). 2 submissions from 2 submitters: Uncertain significance (2). Last evaluated 2023-12-11.

Conditions:
Inborn genetic diseases. Identifiers: MedGen C0950123, MeSH D030342.
DOCK2 deficiency. Also called: Immunodeficiency 40. Identifiers: Orphanet 447737, MedGen C4225328, MONDO:0014637, OMIM 616433.

Allele frequency attached by ClinVar (database versions not stated): ExAC 0.00003; gnomAD 0.00003 and 0.00004; TOPMed 0.00003; ESP Exome Variant Server 0.00008; gnomAD exomes 0.00004.
gnomAD v4.1: 70 of 1,613,988 alleles (0.0043%); highest among the groups gnomAD compares: Middle Eastern, 0.033%; no homozygotes.

Submissions (2):

Ambry Genetics
Classification: Uncertain significance for Inborn genetic diseases. Last evaluated: 2023-12-11. Review status: criteria provided, single submitter. Criteria: Ambry Variant Classification Scheme 2023. Collection method: clinical testing. Allele origin: germline.

Labcorp Genetics (formerly Invitae), Labcorp
Classification: Uncertain significance for DOCK2 deficiency. Last evaluated: 2023-10-03. Review status: criteria provided, single submitter. Criteria: Invitae Variant Classification Sherloc (09022015). Collection method: clinical testing. Allele origin: germline.
Comment: This sequence change replaces arginine, which is basic and polar, with histidine, which is basic and polar, at codon 1200 of the DOCK2 protein (p.Arg1200His). This variant is present in population databases (rs373428643, gnomAD 0.01%). This variant has not been reported in the literature in individuals affected with DOCK2-related conditions. ClinVar contains an entry for this variant (Variation ID: 636370). An algorithm developed to predict the effect of missense changes on protein structure and function (PolyPhen-2) suggests that this variant is likely to be disruptive. In summary, the available evidence is currently insufficient to determine the role of this variant in disease. Therefore, it has been classified as a Variant of Uncertain Significance.

NM_004946.3(DOCK2):c.3599G>A (p.Arg1200His)

Gene: DOCK2 (dedicator of cytokinesis 2; plus strand). Cytogenetic location: 5q35.1.
Variant type: single nucleotide variant.
Coding change: c.3599G>A on transcript NM_004946.3 (MANE Select); coding-DNA position 3599, G replaced by A.
Protein change: p.Arg1200His; replaces arginine 1200 with histidine.
Molecular consequence: missense variant. On other transcripts: non-coding transcript variant (1).
Genome position (GRCh38, 1-based): chr5:170,034,530, G>A. VCF-style: chr5-170034530-G-A. GRCh37 (hg19) VCF-style: chr5-169461534-G-A.
Other names: c.3599G>A, p.Arg1200His (LRG_1227t1); short protein forms R1200H.
Identifiers: ClinVar variation 636370 (VCV000636370.5), dbSNP rs373428643, ClinGen allele CA3554253.